The following is an entry in ClinVar:

ClinVar aggregate classification (germline): Likely benign. Review status: criteria provided, multiple submitters, no conflicts (2 of 4 stars). 3 submissions from 3 submitters: Likely benign (2). 1 of the submissions does not count toward it. Last evaluated 2025-12-28.

Conditions:
TUBB2A-related disorder. Also called: TUBB2A-related condition.

Allele frequency attached by ClinVar (database versions not stated): ExAC 0.00002; gnomAD exomes 0.00002; TOPMed 0.00002; gnomAD 0.00003.
gnomAD v4.1: 30 of 1,614,000 alleles (0.0019%); highest among the groups gnomAD compares: Non-Finnish European, 0.0025%; no homozygotes.

Submissions (3):

Labcorp Genetics (formerly Invitae), Labcorp
Classification: Likely benign. Last evaluated: 2025-12-28. Review status: criteria provided, single submitter. Criteria: Invitae Variant Classification Sherloc (09022015). Collection method: clinical testing. Allele origin: germline.

GeneDx
Classification: Likely benign. Last evaluated: 2019-09-05. Review status: criteria provided, single submitter. Criteria: GeneDx Variant Classification Process June 2021. Collection method: clinical testing. Allele origin: germline. Affected: yes.

PreventionGenetics, part of Exact Sciences
Classification: Likely benign for TUBB2A-related condition. Last evaluated: 2022-05-02. Review status: no assertion criteria provided. Collection method: clinical testing. Allele origin: germline. Not counted in ClinVar's aggregate classification.
Comment: This variant is classified as likely benign based on ACMG/AMP sequence variant interpretation guidelines (Richards et al. 2015 PMID: 25741868, with internal and published modifications).

NM_001069.3(TUBB2A):c.216C>T (p.Thr72=)

Gene: TUBB2A (tubulin beta 2A class IIa; minus strand). Cytogenetic location: 6p25.2.
Variant type: single nucleotide variant.
Coding change: c.216C>T on transcript NM_001069.3 (MANE Select); coding-DNA position 216, C replaced by T.
Protein change: p.Thr72=; no amino-acid change (threonine 72 retained).
Molecular consequence: synonymous variant. On other transcripts: 5 prime UTR variant (1).
Genome position (GRCh38, 1-based): chr6:3,155,686, G>A on the plus strand (C>T on the coding strand, the complement: TUBB2A is on the minus strand). VCF-style: chr6-3155686-G-A. GRCh37 (hg19) VCF-style: chr6-3155920-G-A.
Other names: c.-172C>T (NM_001310315.2).
Identifiers: ClinVar variation 386449 (VCV000386449.14), dbSNP rs1054305, ClinGen allele CA3619056.